The following is an entry in ClinVar:

ClinVar aggregate classification (germline): Uncertain significance (1 of 4 stars; one submission).

gnomAD v4.1: 2 of 1,592,798 alleles (0.00013%); highest among the groups gnomAD compares: Middle Eastern, 0.034%; no homozygotes.

Submission:

Labcorp Genetics (formerly Invitae), Labcorp
Classification: Uncertain significance. Last evaluated: 2024-03-23. Review status: criteria provided, single submitter. Criteria: Invitae Variant Classification Sherloc (09022015). Collection method: clinical testing. Allele origin: germline.
Comment: This sequence change replaces arginine, which is basic and polar, with lysine, which is basic and polar, at codon 1699 of the CAD protein (p.Arg1699Lys). This variant is not present in population databases (gnomAD no frequency). This variant has not been reported in the literature in individuals affected with CAD-related conditions. Algorithms developed to predict the effect of missense changes on protein structure and function output the following: SIFT: "Not Available"; PolyPhen-2: "Benign"; Align-GVGD: "Not Available". The lysine amino acid residue is found in multiple mammalian species, which suggests that this missense change does not adversely affect protein function. In summary, the available evidence is currently insufficient to determine the role of this variant in disease. Therefore, it has been classified as a Variant of Uncertain Significance.

NM_004341.5(CAD):c.5096G>A (p.Arg1699Lys)

Gene: CAD (carbamoyl-phosphate synthetase 2, aspartate transcarbamylase, and dihydroorotase; plus strand). Cytogenetic location: 2p23.3.
Variant type: single nucleotide variant.
Coding change: c.5096G>A on transcript NM_004341.5 (MANE Select); coding-DNA position 5096, G replaced by A.
Protein change: p.Arg1699Lys; replaces arginine 1699 with lysine.
Molecular consequence: missense variant.
Genome position (GRCh38, 1-based): chr2:27,239,075, G>A. VCF-style: chr2-27239075-G-A. GRCh37 (hg19) VCF-style: chr2-27461943-G-A.
Other names: c.4907G>A, p.Arg1636Lys (NM_001306079.2); short protein forms R1636K, R1699K.
Identifiers: ClinVar variation 3605929 (VCV003605929.1).